The following is an entry in ClinVar:

ClinVar aggregate classification (germline): Pathogenic (1 of 4 stars; one submission).

Submission:

ISCA site 17
Classification: Pathogenic. Last evaluated: 2011-08-12. Review status: criteria provided, single submitter. Criteria: Kaminsky et al. (Genet Med. 2011). Collection method: clinical testing. Allele origin: unknown. Affected: yes. Observed: 1 variant allele.
Comment: Copy number variation identified through the course of routine clinical cytogenomic testing in postnatal populations. Clinical assertions have been curated as described in Kaminsky et al. 2011.

GRCh38/hg38 21p11.2-q22.3(chr21:7749532-46661140)x3

Genes: UMODL1-AS1 (UMODL1 antisense RNA 1; minus strand), URB1 (URB1 ribosome biogenesis factor; minus strand), URB1-DT (URB1 divergent transcript; plus strand), USP16 (ubiquitin specific peptidase 16; plus strand), USP25 (ubiquitin specific peptidase 25; plus strand) and 1156 more. Cytogenetic location: 21p11.2-q22.3.
Variant type: copy number gain.
Change: copy number 3 (three copies instead of two) of chr21:7,749,532-46,661,140 (38.91 Mb, GRCh38 coordinates, 1-based), cytogenetic band 21p11.2-q22.3.
Identifiers: ClinVar variation 59245 (VCV000059245.1).